The following is an entry in ClinVar:

ClinVar aggregate classification (germline): Uncertain significance. Review status: criteria provided, multiple submitters, no conflicts (2 of 4 stars). 2 submissions from 2 submitters: Uncertain significance (2). Last evaluated 2025-05-20.

Conditions:
Hereditary cancer-predisposing syndrome. Also called: Tumor predisposition; Hereditary neoplastic syndrome; Hereditary Cancer Syndrome; Neoplastic Syndromes, Hereditary. Identifiers: Orphanet 140162, MedGen C0027672, MeSH D009386, MONDO:0015356.
Oligodontia-cancer predisposition syndrome. Also called: TOOTH AGENESIS-COLORECTAL CANCER SYNDROME. Identifiers: Orphanet 300576, MedGen C1837750, MONDO:0012075, OMIM 608615. Disease mechanism: loss of function.

Allele frequency attached by ClinVar (database versions not stated): TOPMed below 0.00001; gnomAD 0.00001.
gnomAD v4.1: 1 of 1,613,860 alleles (0.000062%); no homozygotes.

Submissions (2):

Ambry Genetics
Classification: Uncertain significance for Hereditary cancer-predisposing syndrome. Last evaluated: 2025-05-20. Review status: criteria provided, single submitter. Criteria: Ambry Variant Classification Scheme 2023. Collection method: clinical testing. Allele origin: germline.
Comment: The p.Y550C variant (also known as c.1649A>G), located in coding exon 5 of the AXIN2 gene, results from an A to G substitution at nucleotide position 1649. The tyrosine at codon 550 is replaced by cysteine, an amino acid with highly dissimilar properties. This amino acid position is conserved. In addition, the in silico prediction for this alteration is inconclusive. Since supporting evidence is limited at this time, the clinical significance of this alteration remains unclear.

Labcorp Genetics (formerly Invitae), Labcorp
Classification: Uncertain significance for Oligodontia-cancer predisposition syndrome. Last evaluated: 2024-05-06. Review status: criteria provided, single submitter. Criteria: Invitae Variant Classification Sherloc (09022015). Collection method: clinical testing. Allele origin: germline.
Comment: This sequence change replaces tyrosine, which is neutral and polar, with cysteine, which is neutral and slightly polar, at codon 550 of the AXIN2 protein (p.Tyr550Cys). This variant is not present in population databases (gnomAD no frequency). This variant has not been reported in the literature in individuals affected with AXIN2-related conditions. ClinVar contains an entry for this variant (Variation ID: 576958). Advanced modeling of protein sequence and biophysical properties (such as structural, functional, and spatial information, amino acid conservation, physicochemical variation, residue mobility, and thermodynamic stability) performed at Invitae indicates that this missense variant is not expected to disrupt AXIN2 protein function with a negative predictive value of 80%. In summary, the available evidence is currently insufficient to determine the role of this variant in disease. Therefore, it has been classified as a Variant of Uncertain Significance.

NM_004655.4(AXIN2):c.1649A>G (p.Tyr550Cys)

Gene: AXIN2 (axin 2; minus strand). Cytogenetic location: 17q24.1.
Variant type: single nucleotide variant.
Coding change: c.1649A>G on transcript NM_004655.4 (MANE Select); coding-DNA position 1649, A replaced by G.
Protein change: p.Tyr550Cys; replaces tyrosine 550 with cysteine.
Molecular consequence: missense variant.
Genome position (GRCh38, 1-based): chr17:65,537,387, T>C on the plus strand (A>G on the coding strand, the complement: AXIN2 is on the minus strand). VCF-style: chr17-65537387-T-C. GRCh37 (hg19) VCF-style: chr17-63533505-T-C.
Other names: c.1649A>G (LRG_296t1); c.1649A>G, p.Tyr550Cys (NM_001363813.1); short protein forms Y550C.
Identifiers: ClinVar variation 576958 (VCV000576958.11), dbSNP rs1567755448, ClinGen allele CA400677007.